The following is an entry in ClinVar:

NM_001382567.1(STIM1):c.733A>C (p.Met245Leu)

Gene: STIM1 (stromal interaction molecule 1; plus strand). Cytogenetic location: 11p15.4.
Variant type: single nucleotide variant.
Coding change: c.733A>C on transcript NM_001382567.1 (MANE Select); coding-DNA position 733, A replaced by C.
Protein change: p.Met245Leu; replaces methionine 245 with leucine.
Molecular consequence: missense variant. On other transcripts: non-coding transcript variant (2).
Genome position (GRCh38, 1-based): chr11:4,070,145, A>C. VCF-style: chr11-4070145-A-C. GRCh37 (hg19) VCF-style: chr11-4091375-A-C.
Other names: c.733A>C, p.Met245Leu (NM_001277961.3, NM_001277962.2, NM_001382568.1 and 2 more transcripts); c.511A>C, p.Met171Leu (NM_001382566.1, NM_001382573.1, NM_001382574.1 and 5 more transcripts); c.598A>C, p.Met200Leu (NM_001382569.1); c.505A>C, p.Met169Leu (NM_001382570.1); c.253A>C, p.Met85Leu (NM_001382571.1); c.244A>C, p.Met82Leu (NM_001382580.1, NM_001382581.1); short protein forms M200L, M82L, M85L, M171L, M169L, M245L.
Identifiers: ClinVar variation 1384482 (VCV001384482.6), dbSNP rs755714206, ClinGen allele CA379188971.

ClinVar aggregate classification (germline): Uncertain significance (1 of 4 stars; one submission).

Conditions:
Combined immunodeficiency due to STIM1 deficiency. Also called: STIM1 DEFICIENCY; IMMUNODEFICIENCY 10. Identifiers: Orphanet 169090, Orphanet 317430, MedGen C2748557, MONDO:0013008, OMIM 612783.
Stormorken syndrome (STRMK). Also called: THROMBOCYTOPATHY, ASPLENIA, AND MIOSIS. Identifiers: Orphanet 3204, MedGen C1861451, MONDO:0008497, OMIM 185070.
Myopathy with tubular aggregates (TAM). Also called: Tubular Aggregate Myopathy. Identifiers: Orphanet 2593, MedGen C0410207, MONDO:0008051.

Submission:

Labcorp Genetics (formerly Invitae), Labcorp
Classification: Uncertain significance for Myopathy with tubular aggregates; Combined immunodeficiency due to STIM1 deficiency; Stormorken syndrome. Last evaluated: 2021-11-18. Review status: criteria provided, single submitter. Criteria: Invitae Variant Classification Sherloc (09022015). Collection method: clinical testing. Allele origin: germline.
Comment: In summary, the available evidence is currently insufficient to determine the role of this variant in disease. Therefore, it has been classified as a Variant of Uncertain Significance. Algorithms developed to predict the effect of missense changes on protein structure and function are either unavailable or do not agree on the potential impact of this missense change (SIFT: "Tolerated"; PolyPhen-2: "Possibly Damaging"; Align-GVGD: "Class C0"). This variant has not been reported in the literature in individuals affected with STIM1-related conditions. This variant is not present in population databases (gnomAD no frequency). This sequence change replaces methionine, which is neutral and non-polar, with leucine, which is neutral and non-polar, at codon 245 of the STIM1 protein (p.Met245Leu).